The following is an entry in ClinVar:

NM_006258.4(PRKG1):c.2013C>T (p.Asn671=)

Gene: PRKG1 (protein kinase cGMP-dependent 1; plus strand). Cytogenetic location: 10q21.1.
Variant type: single nucleotide variant.
Coding change: c.2013C>T on transcript NM_006258.4 (MANE Select); coding-DNA position 2013, C replaced by T.
Protein change: p.Asn671=; no amino-acid change (asparagine 671 retained).
Molecular consequence: synonymous variant.
Genome position (GRCh38, 1-based): chr10:52,293,852, C>T. VCF-style: chr10-52293852-C-T. GRCh37 (hg19) VCF-style: chr10-54053612-C-T.
Other names: c.2013C>T, p.Asn671= (LRG_1135t1); c.1968C>T, p.Asn656= (LRG_1135t2, NM_001098512.3).
Identifiers: ClinVar variation 513208 (VCV000513208.12), dbSNP rs373962932, ClinGen allele CA5504010.
Genomic context (GRCh38, chr10:52,293,852, plus strand): 5'-TTTTTTACAGGTTGCATCACCCACAGACACAAGTAATTTTGACAGTTTCCCTGAGGACAA[C>T]GATGAACCACCACCTGATGACAACTCAGGATGGGATATAGACTTCTAATGTATTTCTCTT-3'
Protein context (NP_006249.1, residues 661-681): TSNFDSFPED[Asn671=]DEPPPDDNSG

ClinVar aggregate classification (germline): Likely benign. Review status: criteria provided, multiple submitters, no conflicts (2 of 4 stars). 4 submissions from 4 submitters: Likely benign (4). Last evaluated 2026-03-27.

Conditions:
Familial thoracic aortic aneurysm and aortic dissection (TAAD). Also called: Thoracic aortic aneurysms and dissections. Identifiers: Orphanet 91387, MedGen C4707243, MONDO:0019625.
Aortic aneurysm, familial thoracic 8 (AAT8). Identifiers: MedGen C3809513, MONDO:0014187, OMIM 615436.

Allele frequency attached by ClinVar (database versions not stated): TOPMed below 0.00001; gnomAD 0.00001; gnomAD exomes 0.00002; ESP Exome Variant Server 0.00008; ExAC 0.00002.
gnomAD v4.1: 29 of 1,613,050 alleles (0.0018%); highest among the groups gnomAD compares: South Asian, 0.0077%; no homozygotes.

Submissions (4):

Molecular Diagnostic Laboratory for Inherited Cardiovascular Disease, Montreal Heart Institute
Classification: Likely benign. Last evaluated: 2026-03-27. Review status: criteria provided, single submitter. Criteria: ACMG Guidelines, 2015. Collection method: clinical testing. Allele origin: germline. Affected: no.
Comment: BP7

Labcorp Genetics (formerly Invitae), Labcorp
Classification: Likely benign for Aortic aneurysm, familial thoracic 8. Last evaluated: 2026-01-13. Review status: criteria provided, single submitter. Criteria: Invitae Variant Classification Sherloc (09022015). Collection method: clinical testing. Allele origin: germline.

Ambry Genetics
Classification: Likely benign for Familial thoracic aortic aneurysm and aortic dissection. Last evaluated: 2019-10-17. Review status: criteria provided, single submitter. Criteria: Ambry Variant Classification Scheme 2023. Collection method: clinical testing. Allele origin: germline.

GeneDx
Classification: Likely benign. Last evaluated: 2017-11-07. Review status: criteria provided, single submitter. Criteria: GeneDx Variant Classification (06012015). Collection method: clinical testing. Allele origin: germline. Affected: yes.
Comment: This variant is considered likely benign or benign based on one or more of the following criteria: it is a conservative change, it occurs at a poorly conserved position in the protein, it is predicted to be benign by multiple in silico algorithms, and/or has population frequency not consistent with disease.